The following is an entry in ClinVar:

ClinVar aggregate classification (germline): Pathogenic/Likely pathogenic. Review status: criteria provided, multiple submitters, no conflicts (2 of 4 stars). 2 submissions from 2 submitters: Pathogenic (1); Likely pathogenic (1). Last evaluated 2024-02-26.

Conditions:
VPS13A-related neurodegenerative disease. Also called: VPS13A Disease; Choreaacanthocytosis; ACANTHOCYTOSIS WITH NEUROLOGIC DISORDER; LEVINE-CRITCHLEY SYNDROME; Choreoacanthocytosis; Chorea-acanthocytosis. Identifiers: Orphanet 2388, MedGen C0393576, MONDO:0008695, OMIM 200150.

Submissions (2):

Fulgent Genetics
Classification: Likely pathogenic for VPS13A-related neurodegenerative disease. Last evaluated: 2024-02-26. Review status: criteria provided, single submitter. Criteria: ACMG Guidelines, 2015. Collection method: clinical testing. Allele origin: germline.

Labcorp Genetics (formerly Invitae), Labcorp
Classification: Pathogenic. Last evaluated: 2022-04-07. Review status: criteria provided, single submitter. Criteria: Invitae Variant Classification Sherloc (09022015). Collection method: clinical testing. Allele origin: germline.
Comment: This sequence change creates a premature translational stop signal (p.Thr2306Leufs*4) in the VPS13A gene. It is expected to result in an absent or disrupted protein product. Loss-of-function variants in VPS13A are known to be pathogenic (PMID: 12404112, 21598378). This variant is not present in population databases (gnomAD no frequency). This variant has not been reported in the literature in individuals affected with VPS13A-related conditions. For these reasons, this variant has been classified as Pathogenic.

Literature cited by the submitters: PubMed 12404112 (cited by Labcorp Genetics (formerly Invitae), Labcorp); PubMed 21598378 (cited by Labcorp Genetics (formerly Invitae), Labcorp).

NM_033305.3(VPS13A):c.6915del (p.Thr2306fs)

Gene: VPS13A (vacuolar protein sorting 13 homolog A; plus strand). Cytogenetic location: 9q21.2.
Variant type: Deletion.
Coding change: c.6915del on transcript NM_033305.3 (MANE Select); coding-DNA position 6915, one base deleted (T; older notation c.6915delT).
Protein change: p.Thr2306fs; shifts the reading frame from threonine 2306.
Molecular consequence: frameshift variant.
Genome position (GRCh38, 1-based): chr9:77,340,439, T deleted; the last of 2 consecutive T bases (chr9:77,340,438-77,340,439); deleting either gives the same sequence. VCF-style (leftmost placement, unchanged base first): chr9-77340437-AT-A. GRCh37 (hg19) VCF-style: chr9-79955353-AT-A.
Other names: c.6798del, p.Thr2267fs (NM_001018037.2); c.6915del, p.Thr2306fs (NM_001018038.3, NM_015186.4); short protein forms T2306fs, T2267fs.
Identifiers: ClinVar variation 2060475 (VCV002060475.6), dbSNP rs2538080058, ClinGen allele CA2579360495.